The following is an entry in ClinVar:

NM_001244008.2(KIF1A):c.2794C>T (p.His932Tyr)

Gene: KIF1A (kinesin family member 1A; minus strand). Cytogenetic location: 2q37.3.
Variant type: single nucleotide variant.
Coding change: c.2794C>T on transcript NM_001244008.2 (MANE Select); coding-DNA position 2794, C replaced by T.
Protein change: p.His932Tyr; replaces histidine 932 with tyrosine.
Molecular consequence: missense variant. On other transcripts: intron variant (18).
Genome position (GRCh38, 1-based): chr2:240,757,383, G>A on the plus strand (C>T on the coding strand, the complement: KIF1A is on the minus strand). VCF-style: chr2-240757383-G-A. GRCh37 (hg19) VCF-style: chr2-241696800-G-A.
Other names: c.2555+977C>T (NM_001379653.1, NM_001379650.1, NM_001379640.1 and 6 more transcripts); c.2657+977C>T (NM_001379635.1, NM_001330290.2, NM_001379646.1 and 1 more transcripts); c.2630+977C>T (NM_001379637.1, NM_001379648.1); c.2582+977C>T (NM_001320705.2, NM_001379638.1, NM_001330289.2); c.2869C>T, p.His957Tyr (NM_001379631.1); c.2743C>T, p.His915Tyr (NM_001379632.1); c.2767C>T, p.His923Tyr (NM_001379633.1, NM_001379642.1, NM_001379645.1); short protein forms H915Y, H923Y, H932Y, H957Y.
Identifiers: ClinVar variation 3348886 (VCV003348886.2).

ClinVar aggregate classification (germline): Uncertain significance (1 of 4 stars; one submission).

Conditions:
KIF1A-related disorder. Also called: KIF1A-related disorders; KIF1A-related condition.

Submission:

PreventionGenetics, part of Exact Sciences
Classification: Uncertain significance for KIF1A-related condition. Last evaluated: 2026-07-01. Review status: criteria provided, single submitter. Criteria: ACMG Guidelines, 2015. Collection method: clinical testing. Allele origin: germline.
Comment: The KIF1A c.2794C>T variant is predicted to result in the amino acid substitution p.His932Tyr. In the more commonly reported transcript (NM_004321.7), this variant is intronic (c.2555+977C>T). To our knowledge, this variant has not been reported in the literature or in a large population database (gnomAD), indicating this variant is rare. At this time, the clinical significance of this variant is uncertain due to the absence of conclusive functional and genetic evidence.